The following is an entry in ClinVar:

NM_025137.4(SPG11):c.1575G>T (p.Arg525Ser)

Gene: SPG11 (SPG11 vesicle trafficking associated, spatacsin; minus strand). Cytogenetic location: 15q21.1.
Variant type: single nucleotide variant.
Coding change: c.1575G>T on transcript NM_025137.4 (MANE Select); coding-DNA position 1575, G replaced by T.
Protein change: p.Arg525Ser; replaces arginine 525 with serine.
Molecular consequence: missense variant.
Genome position (GRCh38, 1-based): chr15:44,648,893, C>A on the plus strand (G>T on the coding strand, the complement: SPG11 is on the minus strand). VCF-style: chr15-44648893-C-A. GRCh37 (hg19) VCF-style: chr15-44941091-C-A.
Other names: c.1575G>T, p.Arg525Ser (NM_001160227.2); short protein forms R525S.
Identifiers: ClinVar variation 652515 (VCV000652515.8), dbSNP rs1242845025, ClinGen allele CA392235515.
Genomic context (GRCh38, chr15:44,648,893, plus strand): 5'-TAAGTAATGTTCTTGGGCATTTAATTCTGTTACCTCTAGTGCATGTATGGGAATTGAGCA[C>A]CTTCCCCAGCCATTGAGATGACAAAGAGTGTCCACAGTGCTGGCACTTCCATGGATCATG-3'
Protein context (NP_079413.3, residues 515-535): DTLCHLNGWG[Arg525Ser]CSIPIHALEA

ClinVar aggregate classification (germline): Uncertain significance (1 of 4 stars; one submission).

Conditions:
Hereditary spastic paraplegia 11. Also called: Spastic Paraplegia 11; SPASTIC PARAPLEGIA, AUTOSOMAL RECESSIVE, COMPLICATED, WITH THIN CORPUS CALLOSUM; SPASTIC PARAPLEGIA, AUTOSOMAL RECESSIVE, WITH MENTAL IMPAIRMENT AND THIN CORPUS CALLOSUM; Spastic paraplegia, mental retardation and thin corpus callosum; Nakamura Osame syndrome; Autosomal recessive hereditary spastic paraplegia, mental impairment, and thin corpus callosum. Identifiers: Orphanet 2822, MedGen C1858479, MONDO:0011445, OMIM 604360.

Allele frequency attached by ClinVar (database versions not stated): gnomAD exomes below 0.00001 and 0.00001; TOPMed below 0.00001; gnomAD 0.00001.
gnomAD v4.1: 18 of 1,614,018 alleles (0.0011%); highest among the groups gnomAD compares: Non-Finnish European, 0.0013%; no homozygotes.

Submission:

Labcorp Genetics (formerly Invitae), Labcorp
Classification: Uncertain significance for Hereditary spastic paraplegia 11. Last evaluated: 2021-09-01. Review status: criteria provided, single submitter. Criteria: Invitae Variant Classification Sherloc (09022015). Collection method: clinical testing. Allele origin: germline.
Comment: This sequence change replaces arginine with serine at codon 525 of the SPG11 protein (p.Arg525Ser). The arginine residue is moderately conserved and there is a moderate physicochemical difference between arginine and serine. This variant is not present in population databases (ExAC no frequency). This variant has not been reported in the literature in individuals affected with SPG11-related conditions. Algorithms developed to predict the effect of missense changes on protein structure and function are either unavailable or do not agree on the potential impact of this missense change (SIFT: "Deleterious"; PolyPhen-2: "Probably Damaging"; Align-GVGD: "Class C0"). In summary, the available evidence is currently insufficient to determine the role of this variant in disease. Therefore, it has been classified as a Variant of Uncertain Significance.